The following is an entry in ClinVar:

ClinVar aggregate classification (germline): Uncertain significance. Review status: criteria provided, single submitter (1 of 4 stars). 2 submissions from 2 submitters: Uncertain significance (1). 1 of the submissions does not count toward it. Last evaluated 2025-06-17.

Conditions:
Inborn genetic diseases. Identifiers: MedGen C0950123, MeSH D030342.
KMT2D-related disorder. Also called: KMT2D-Related Disorders.

gnomAD v4.1: 1 of 1,613,990 alleles (0.000062%); highest among the groups gnomAD compares: Non-Finnish European, 0.000085%; no homozygotes.

Submissions (2):

Ambry Genetics
Classification: Uncertain significance for Inborn genetic diseases. Last evaluated: 2025-06-17. Review status: criteria provided, single submitter. Criteria: Ambry Variant Classification Scheme 2023. Collection method: clinical testing. Allele origin: germline.

PreventionGenetics, part of Exact Sciences
Classification: Uncertain significance for KMT2D-related condition. Last evaluated: 2024-09-14. Review status: no assertion criteria provided. Collection method: clinical testing. Allele origin: germline. Not counted in ClinVar's aggregate classification.
Comment: The KMT2D c.4969G>A variant is predicted to result in the amino acid substitution p.Val1657Met. To our knowledge, this variant has not been reported in the literature. This variant is reported in 0.00089% of alleles in individuals of European (Non-Finnish) descent in gnomAD. At this time, the clinical significance of this variant is uncertain due to the absence of conclusive functional and genetic evidence.

NM_003482.4(KMT2D):c.4969G>A (p.Val1657Met)

Gene: KMT2D (lysine methyltransferase 2D; minus strand). Cytogenetic location: 12q13.12.
Variant type: single nucleotide variant.
Coding change: c.4969G>A on transcript NM_003482.4 (MANE Select); coding-DNA position 4969, G replaced by A.
Protein change: p.Val1657Met; replaces valine 1657 with methionine.
Molecular consequence: missense variant.
Genome position (GRCh38, 1-based): chr12:49,044,517, C>T on the plus strand (G>A on the coding strand, the complement: KMT2D is on the minus strand). VCF-style: chr12-49044517-C-T. GRCh37 (hg19) VCF-style: chr12-49438300-C-T.
Other names: short protein forms V1657M.
Identifiers: ClinVar variation 3358394 (VCV003358394.2).